The following is an entry in ClinVar:

ClinVar aggregate classification (germline): Benign. Review status: criteria provided, multiple submitters, no conflicts (2 of 4 stars). 25 submissions from 21 submitters: Benign (21). 4 of the submissions do not count toward it. Last evaluated 2026-02-04.

Conditions:
Multiple endocrine neoplasia. Identifiers: Orphanet 276161, MedGen C0027662, MONDO:0017169.
Hereditary cancer-predisposing syndrome. Also called: Neoplastic Syndromes, Hereditary; Tumor predisposition; Hereditary neoplastic syndrome; Hereditary Cancer Syndrome. Identifiers: Orphanet 140162, MedGen C0027672, MeSH D009386, MONDO:0015356.
Multiple endocrine neoplasia, type 2 (MEN2). Identifiers: Orphanet 653, MedGen C4048306, MONDO:0019003. Disease mechanism: gain of function.
Hirschsprung disease, susceptibility to, 1 (HSCR1). Also called: RET-Related Hirschsprung Disease. Identifiers: Orphanet 388, MedGen C3888239, MONDO:0007723, OMIM 142623.
Multiple endocrine neoplasia type 2A. Also called: MULTIPLE ENDOCRINE NEOPLASIA, TYPE IIA; PTC SYNDROME; SIPPLE SYNDROME; MEN 2A; MEN-2A syndrome; Pheochromocytoma and amyloid producing medullary thyroid carcinoma. Identifiers: Orphanet 247698, Orphanet 653, MedGen C0025268, MeSH D018813, MONDO:0008234, OMIM 171400.
Multiple endocrine neoplasia type 2B. Also called: MEN 2B; Multiple endocrine neoplasia, type 3; MULTIPLE ENDOCRINE NEOPLASIA, TYPE IIB; MUCOSAL NEUROMA SYNDROME; NEUROMATA, MUCOSAL, WITH ENDOCRINE TUMORS; WAGENMANN-FROBOESE SYNDROME. Identifiers: Orphanet 247709, Orphanet 653, MedGen C0025269, MeSH D018814, MONDO:0008082, OMIM 162300.
Pheochromocytoma. Also called: MAX-Related Hereditary Paraganglioma-Pheochromocytoma Syndrome. Identifiers: Orphanet 29072, MedGen C0031511, MONDO:0008233, OMIM 171300, HP:0002666.
Renal hypodysplasia/aplasia 1 (RHDA1). Also called: RENAL APLASIA; HEREDITARY RENAL APLASIA. Identifiers: Orphanet 411709, MedGen C1619700, MONDO:0024519, OMIM 191830.

Allele frequency attached by ClinVar (database versions not stated): ESP Exome Variant Server 0.16095; gnomAD 0.17043 and 0.17323; TOPMed 0.17364; 1000 Genomes Project 30x 0.17411; 1000 Genomes Project 0.17252.
gnomAD v4.1: 299,379 of 1,612,614 alleles (19%); highest among the groups gnomAD compares: Admixed American, 32%; 29,767 homozygotes.

Submissions (25):

Labcorp Genetics (formerly Invitae), Labcorp
Classification: Benign for Multiple endocrine neoplasia, type 2. Last evaluated: 2026-02-04. Review status: criteria provided, single submitter. Criteria: Invitae Variant Classification Sherloc (09022015). Collection method: clinical testing. Allele origin: germline.

ARUP Laboratories, Molecular Genetics and Genomics, ARUP Laboratories
Classification: Benign. Last evaluated: 2025-07-23. Review status: criteria provided, single submitter. Criteria: ARUP Molecular Germline Variant Investigation Process 2024. Collection method: clinical testing. Allele origin: germline.

GeneKor MSA
Classification: Benign for Hereditary cancer-predisposing syndrome. Last evaluated: 2025-07-10. Review status: criteria provided, single submitter. Criteria: ACMG Guidelines, 2015. Collection method: clinical testing. Allele origin: germline.

Myriad Genetics, Inc.
Classification: Benign for Multiple endocrine neoplasia type 2A. Last evaluated: 2025-02-27. Review status: criteria provided, single submitter. Criteria: Myriad Autosomal Dominant, Autosomal Recessive and X-Linked Classification Criteria (2023). Collection method: clinical testing. Allele origin: unknown.
Comment: This variant is considered benign. This variant is a silent/synonymous amino acid change and it is not expected to impact splicing.

KCCC/NGS Laboratory, Kuwait Cancer Control Center
Classification: Benign for Pheochromocytoma. Last evaluated: 2025-02-01. Review status: criteria provided, single submitter. Criteria: ACMG Guidelines, 2015. Collection method: clinical testing. Allele origin: germline. Affected: no.

Hereditary Cancer Laboratory, Hospital Universitario 12 de Octubre
Classification: Benign for Hereditary cancer-predisposing syndrome. Last evaluated: 2025-01-01. Review status: criteria provided, single submitter. Criteria: ACMG Guidelines, 2015. Collection method: clinical testing. Allele origin: germline.
Comment: BA1+BP6+BP7

Blueprint Genetics
Classification: Benign. Last evaluated: 2024-11-27. Review status: criteria provided, single submitter. Criteria: ACMG Guidelines, 2015. Collection method: clinical testing. Allele origin: germline.

KCCC/NGS Laboratory, Kuwait Cancer Control Center
Classification: Benign for Multiple endocrine neoplasia type 2B. Last evaluated: 2023-07-07. Review status: criteria provided, single submitter. Criteria: ACMG Guidelines, 2015. Collection method: clinical testing. Allele origin: germline. Affected: yes.

Mayo Clinic Laboratories, Mayo Clinic
Classification: Benign. Last evaluated: 2021-12-17. Review status: criteria provided, single submitter. Criteria: ACMG Guidelines, 2015. Collection method: clinical testing. Allele origin: germline. Observed: 563 variant alleles.
Comment: BA1

Genetics and Molecular Pathology, SA Pathology
Classification: Benign for Multiple endocrine neoplasia type 2A. Last evaluated: 2019-08-06. Review status: criteria provided, single submitter. Criteria: ACMG Guidelines, 2015. Collection method: clinical testing. Allele origin: germline. Inheritance: Autosomal dominant inheritance. Affected: yes.

Color Diagnostics, LLC DBA Color Health
Classification: Benign for Multiple endocrine neoplasia, type 2. Last evaluated: 2019-03-28. Review status: criteria provided, single submitter. Criteria: ACMG Guidelines, 2015. Collection method: clinical testing. Allele origin: germline.

Illumina Laboratory Services, Illumina
Classification: Benign for Renal hypodysplasia/aplasia 1. Last evaluated: 2018-03-06. Review status: criteria provided, single submitter. Criteria: ICSL Variant Classification Criteria 13 December 2019. Collection method: clinical testing. Allele origin: germline.
Comment: This variant was observed in the ICSL laboratory as part of a predisposition screen in an ostensibly healthy population. It had not been previously curated by ICSL or reported in the Human Gene Mutation Database (HGMD: prior to June 1st, 2018), and was therefore a candidate for classification through an automated scoring system. Utilizing variant allele frequency, disease prevalence and penetrance estimates, and inheritance mode, an automated score was calculated to assess if this variant is too frequent to cause the disease. Based on the score and internal cut-off values, a variant classified as benign is not then subjected to further curation. The score for this variant resulted in a classification of benign for this disease.

Illumina Laboratory Services, Illumina
Classification: Benign for Multiple endocrine neoplasia. Last evaluated: 2018-03-06. Review status: criteria provided, single submitter. Criteria: ICSL Variant Classification Criteria 13 December 2019. Collection method: clinical testing. Allele origin: germline.
Comment: the same text as in the submission from Illumina Laboratory Services, Illumina above.

Illumina Laboratory Services, Illumina
Classification: Benign for Pheochromocytoma. Last evaluated: 2018-03-06. Review status: criteria provided, single submitter. Criteria: ICSL Variant Classification Criteria 13 December 2019. Collection method: clinical testing. Allele origin: germline.
Comment: the same text as in the submission from Illumina Laboratory Services, Illumina above.

Illumina Laboratory Services, Illumina
Classification: Benign for Hirschsprung disease, susceptibility to, 1. Last evaluated: 2018-03-06. Review status: criteria provided, single submitter. Criteria: ICSL Variant Classification Criteria 13 December 2019. Collection method: clinical testing. Allele origin: germline.
Comment: the same text as in the submission from Illumina Laboratory Services, Illumina above.

Athena Diagnostics
Classification: Benign. Last evaluated: 2017-11-01. Review status: criteria provided, single submitter. Criteria: Athena Diagnostics Criteria. Collection method: clinical testing. Allele origin: germline.

Ambry Genetics
Classification: Benign for Hereditary cancer-predisposing syndrome. Last evaluated: 2014-11-19. Review status: criteria provided, single submitter. Criteria: Ambry Variant Classification Scheme 2023. Collection method: clinical testing. Allele origin: germline.

Eurofins Ntd Llc (ga)
Classification: Benign. Last evaluated: 2014-01-31. Review status: criteria provided, single submitter. Criteria: EGL Classification Definitions 2015. Collection method: clinical testing. Allele origin: germline. Observed: 32 variant alleles, 23 heterozygotes, 9 homozygotes.

Laboratory for Molecular Medicine, Mass General Brigham Personalized Medicine
Classification: Benign. Last evaluated: 2013-03-11. Review status: criteria provided, single submitter. Criteria: LMM Criteria. Collection method: clinical testing. Allele origin: germline. Observed: 39 variant alleles.
Comment: Ser904Ser in exon 15 of RET: This variant is not expected to have clinical signi ficance because it does not alter an amino acid residue, is not located within t he splice consensus sequence, and has been identified in 19% (1604/8598) of Euro pean American chromosomes from a broad population by the NHLBI Exome Sequencing Project (dbSNP rs1800863).

Breakthrough Genomics
Classification: Benign. Review status: criteria provided, single submitter. Criteria: ACMG Guidelines, 2015. Collection method: not provided. Allele origin: germline. Inheritance: Autosomal dominant inheritance. Affected: yes.

PreventionGenetics, part of Exact Sciences
Classification: Benign. Review status: criteria provided, single submitter. Criteria: ACMG Guidelines, 2015. Collection method: clinical testing. Allele origin: germline.

Clinical Genetics DNA and cytogenetics Diagnostics Lab, Erasmus MC, Erasmus Medical Center
Classification: Benign. Review status: no assertion criteria provided. Collection method: clinical testing. Allele origin: germline. Affected: yes. Study: VKGL Data-share Consensus. Not counted in ClinVar's aggregate classification.

Diagnostic Laboratory, Department of Genetics, University Medical Center Groningen
Classification: Benign. Review status: no assertion criteria provided. Collection method: clinical testing. Allele origin: germline. Affected: yes. Study: VKGL Data-share Consensus. Not counted in ClinVar's aggregate classification.

Genome Diagnostics Laboratory, University Medical Center Utrecht
Classification: Benign. Review status: no assertion criteria provided. Collection method: clinical testing. Allele origin: germline. Affected: yes. Study: VKGL Data-share Consensus. Not counted in ClinVar's aggregate classification.

Joint Genome Diagnostic Labs from Nijmegen and Maastricht, Radboudumc and MUMC+
Classification: Benign. Review status: no assertion criteria provided. Collection method: clinical testing. Allele origin: germline. Affected: yes. Study: VKGL Data-share Consensus. Not counted in ClinVar's aggregate classification.

NM_020975.6(RET):c.2712C>G (p.Ser904=)

Gene: RET (ret proto-oncogene; plus strand). Cytogenetic location: 10q11.21.
Variant type: single nucleotide variant.
Coding change: c.2712C>G on transcript NM_020975.6 (MANE Select); coding-DNA position 2712, C replaced by G.
Protein change: p.Ser904=; no amino-acid change (serine 904 retained).
Molecular consequence: synonymous variant.
Genome position (GRCh38, 1-based): chr10:43,120,185, C>G. VCF-style: chr10-43120185-C-G. GRCh37 (hg19) VCF-style: chr10-43615633-C-G.
Other names: p.Ser904=; c.2712C>G, p.Ser904= (NM_000323.2, NM_001406743.1, NM_001406744.1 and 4 more transcripts); c.1950C>G, p.Ser650= (NM_001355216.2); c.2583C>G, p.Ser861= (NM_001406761.1, NM_001406762.1, NM_001406764.1); c.2577C>G, p.Ser859= (NM_001406763.1, NM_001406765.1); c.2424C>G, p.Ser808= (NM_001406766.1, NM_001406767.1, NM_001406770.1); c.2448C>G, p.Ser816= (NM_001406768.1); c.2316C>G, p.Ser772= (NM_001406769.1, NM_001406772.1); and 11 more.
Identifiers: ClinVar variation 24964 (VCV000024964.58), dbSNP rs1800863, ClinGen allele CA009034.